The following is an entry in ClinVar:

NM_000093.5(COL5A1):c.4711G>C (p.Glu1571Gln)

Genes: COL5A1 (collagen type V alpha 1 chain; plus strand), LOC101448202 (uncharacterized LOC101448202; minus strand). Cytogenetic location: 9q34.3.
Variant type: single nucleotide variant.
Coding change: c.4711G>C on transcript NM_000093.5 (MANE Select); coding-DNA position 4711, G replaced by C.
Protein change: p.Glu1571Gln; replaces glutamic acid 1571 with glutamine.
Molecular consequence: missense variant.
Genome position (GRCh38, 1-based): chr9:134,824,612, G>C. VCF-style: chr9-134824612-G-C. GRCh37 (hg19) VCF-style: chr9-137716458-G-C.
Other names: c.4711G>C, p.Glu1571Gln (NM_001278074.1); short protein forms E1571Q.
Identifiers: ClinVar variation 3346638 (VCV003346638.3).

ClinVar aggregate classification (germline): Uncertain significance. Review status: criteria provided, single submitter (1 of 4 stars). 2 submissions from 2 submitters: Uncertain significance (1). 1 of the submissions does not count toward it. Last evaluated 2024-12-24.

Conditions:
COL5A1-related disorder. Also called: COL5A1-related condition.
Ehlers-Danlos syndrome, classic type, 1 (EDSCL1). Also called: EHLERS-DANLOS SYNDROME, GRAVIS TYPE; EHLERS-DANLOS SYNDROME, SEVERE CLASSIC TYPE; Ehlers-Danlos syndrome, type 1; Ehlers-Danlos Syndrome, Classic Type, COL5A1-Related; EDS I. Identifiers: MedGen C0268335, MONDO:0019567, OMIM 130000.

Submissions (2):

Labcorp Genetics (formerly Invitae), Labcorp
Classification: Uncertain significance for Ehlers-Danlos syndrome, classic type, 1. Last evaluated: 2024-12-24. Review status: criteria provided, single submitter. Criteria: Invitae Variant Classification Sherloc (09022015). Collection method: clinical testing. Allele origin: germline.
Comment: This sequence change replaces glutamic acid, which is acidic and polar, with glutamine, which is neutral and polar, at codon 1571 of the COL5A1 protein (p.Glu1571Gln). This variant is not present in population databases (gnomAD no frequency). This variant has not been reported in the literature in individuals affected with COL5A1-related conditions. Invitae Evidence Modeling of protein sequence and biophysical properties (such as structural, functional, and spatial information, amino acid conservation, physicochemical variation, residue mobility, and thermodynamic stability) indicates that this missense variant is not expected to disrupt COL5A1 protein function with a negative predictive value of 95%. In summary, the available evidence is currently insufficient to determine the role of this variant in disease. Therefore, it has been classified as a Variant of Uncertain Significance.

PreventionGenetics, part of Exact Sciences
Classification: Uncertain significance for COL5A1-related condition. Last evaluated: 2024-06-03. Review status: no assertion criteria provided. Collection method: clinical testing. Allele origin: germline. Not counted in ClinVar's aggregate classification.
Comment: The COL5A1 c.4711G>C variant is predicted to result in the amino acid substitution p.Glu1571Gln. To our knowledge, this variant has not been reported in the literature or in a large population database, indicating this variant is rare. At this time, the clinical significance of this variant is uncertain due to the absence of conclusive functional and genetic evidence.